The following is an entry in ClinVar:

ClinVar aggregate classification (germline): Uncertain significance (1 of 4 stars; one submission).

gnomAD v4.1: 1 of 670,038 alleles (0.00015%); highest among the groups gnomAD compares: Non-Finnish European, 0.00023%; no homozygotes.

Submission:

Ambry Genetics
Classification: Uncertain significance. Last evaluated: 2026-03-03. Review status: criteria provided, single submitter. Criteria: Ambry Variant Classification Scheme 2023. Collection method: clinical testing. Allele origin: germline.
Comment: The p.G113R variant (also known as c.337G>A), located in coding exon 4 of the RAD51B gene, results from a G to A substitution at nucleotide position 337. The glycine at codon 113 is replaced by arginine, an amino acid with dissimilar properties. This amino acid position is conserved. In addition, this alteration is predicted to be deleterious by in silico analysis. Based on the available evidence, the clinical significance of this variant remains unclear.

NM_133510.4(RAD51B):c.337G>A (p.Gly113Arg)

Gene: RAD51B (RAD51 paralog B; plus strand). Cytogenetic location: 14q24.1.
Variant type: single nucleotide variant.
Coding change: c.337G>A on transcript NM_133510.4 (MANE Select); coding-DNA position 337, G replaced by A.
Protein change: p.Gly113Arg; replaces glycine 113 with arginine.
Molecular consequence: missense variant. On other transcripts: 5 prime UTR variant (1).
Genome position (GRCh38, 1-based): chr14:67,865,024, G>A. VCF-style: chr14-67865024-G-A. GRCh37 (hg19) VCF-style: chr14-68331741-G-A.
Other names: c.337G>A, p.Gly113Arg (NM_001321809.2, NM_001321810.2, NM_001321812.1 and 6 more transcripts); c.223G>A, p.Gly75Arg (NM_001321815.1); c.-21G>A (NM_001321817.2); short protein forms G113R, G75R.
Identifiers: ClinVar variation 4826667 (VCV004826667.1).